The following is an entry in ClinVar:

ClinVar aggregate classification (germline): Uncertain significance. Review status: criteria provided, multiple submitters, no conflicts (2 of 4 stars). 3 submissions from 3 submitters: Uncertain significance (3). Last evaluated 2026-03-10.

Conditions:
TTN-related disorder. Also called: TTN-related disorders; TTN-related condition; TTN-related disease.
Autosomal recessive limb-girdle muscular dystrophy type 2J (LGMDR10). Also called: Limb-girdle muscular dystrophy, type 2J; MUSCULAR DYSTROPHY, LIMB-GIRDLE, AUTOSOMAL RECESSIVE 10. Identifiers: Orphanet 140922, MedGen C1837342, MONDO:0012127, OMIM 608807.
Dilated cardiomyopathy 1G (CMD1G). Identifiers: Orphanet 154, MedGen C1858763, MONDO:0011400, OMIM 604145.

Allele frequency attached by ClinVar (database versions not stated): gnomAD exomes 0.00002 and 0.00004; TOPMed 0.00002; ExAC 0.00003.
gnomAD v4.1: 13 of 1,582,262 alleles (0.00082%); highest among the groups gnomAD compares: Admixed American, 0.024%; no homozygotes.

Submissions (3):

PreventionGenetics, part of Exact Sciences
Classification: Uncertain significance for TTN-related condition. Last evaluated: 2026-03-10. Review status: criteria provided, single submitter. Criteria: ACMG Guidelines, 2015. Collection method: clinical testing. Allele origin: germline.
Comment: The TTN c.64411C>T variant is predicted to result in the amino acid substitution p.Leu21471Phe. To our knowledge, this variant has not been reported in the literature. This variant is reported in 0.035% of alleles in individuals of Latino descent in gnomAD. At this time, the clinical significance of this variant is uncertain due to the absence of conclusive functional and genetic evidence.

Athena Diagnostics
Classification: Uncertain significance. Last evaluated: 2023-12-20. Review status: criteria provided, single submitter. Criteria: Athena Diagnostics Criteria. Collection method: clinical testing. Allele origin: unknown.
Comment: Available data are insufficient to determine the clinical significance of the variant at this time. The frequency of this variant in the general population is higher than would generally be expected for pathogenic variants in this gene. Computational tools disagree on the variant's effect on normal protein function.

Labcorp Genetics (formerly Invitae), Labcorp
Classification: Uncertain significance for Dilated cardiomyopathy 1G; Autosomal recessive limb-girdle muscular dystrophy type 2J. Last evaluated: 2016-09-27. Review status: criteria provided, single submitter. Criteria: Invitae Variant Classification Sherloc (09022015). Collection method: clinical testing. Allele origin: germline.

NM_001267550.2(TTN):c.64411C>T (p.Leu21471Phe)

Genes: TTN-AS1 (TTN antisense RNA 1; plus strand), TTN (titin; minus strand). Cytogenetic location: 2q31.2.
Variant type: single nucleotide variant.
Coding change: c.64411C>T on transcript NM_001267550.2 (MANE Select); coding-DNA position 64411, C replaced by T.
Protein change: p.Leu21471Phe; replaces leucine 21471 with phenylalanine.
Molecular consequence: missense variant.
Genome position (GRCh38, 1-based): chr2:178,585,333, G>A on the plus strand (C>T on the coding strand, the complement: TTN is on the minus strand). VCF-style: chr2-178585333-G-A. GRCh37 (hg19) VCF-style: chr2-179450060-G-A.
Other names: c.59488C>T, p.Leu19830Phe (NM_001256850.1); c.37216C>T, p.Leu12406Phe (NM_003319.4); c.56707C>T, p.Leu18903Phe (NM_133378.4); c.37591C>T, p.Leu12531Phe (NM_133432.3); c.37792C>T, p.Leu12598Phe (NM_133437.4); c.64411C>T (NM_001267550.1); short protein forms L21471F, L18903F, L12531F, L12598F, L19830F, L12406F.
Identifiers: ClinVar variation 404815 (VCV000404815.5), dbSNP rs774609456, ClinGen allele CA1991903.